The following is an entry in ClinVar:

ClinVar aggregate classification (germline): Pathogenic (3 of 4 stars; one submission).

Conditions:
Mucopolysaccharidosis type 1. Also called: IDUA deficiency; MPS I; Mucopolysaccharidosis Type I. Identifiers: Orphanet 579, MedGen C0023786, MONDO:0001586.

Submission:

ClinGen Lysosomal Storage Disorder Variant Curation Expert Panel
Classification: Pathogenic for Mucopolysaccharidosis type 1. Last evaluated: 2026-07-16. Review status: reviewed by expert panel. Criteria: ClinGen LSD ACMG Specifications IDUA V1.2.0. Collection method: curation. Allele origin: germline. Inheritance: Autosomal recessive inheritance.
Comment: The NM_000203.5:c.656dupG (p.Gly220ArgfsTer179) variant in IDUA is a frameshift variant that is predicted to cause a premature stop codon in biologically-relevant-exon 9 out of 14, leading to nonsense mediated decay in a gene in which loss-of-function is an established disease mechanism (PVS1). This patient is compound heterozygous for the variant, c.656dupG (noted as c.657dupG in the paper) and c.623G>A (p.Gly208Asp); phase confirmed by parental testing (PMID: 21480867). The allelic data from this patient will be used in the classification of the missense variant and is not included here to avoid circular logic (PM3_not met). Note: The variant is listed in the paper as c.657dupG. There is no G at position 657. All frameshift variants in this paper are 1 bp "off". In agreement with members of the LD VCEP, this variant was curated as c.656dupG. The variant is absent in gnomAD v4.1.0 (PM2_Supporting). In summary, this variant meets the criteria to be classified as pathogenic for MPS I. IDUA-specific ACMG/AMP criteria applied, as specified by the ClinGen Lysosomal Diseases Variant Curation Expert Panel (Specifications version 1.2.0.): PVS1, PP4_Moderate, PM2_Supporting (Classification approved by the ClinGen Lysosomal Diseases Variant Curation Expert Panel on July 16, 2026)

NM_000203.5(IDUA):c.656dup (p.Gly220fs)

Gene: IDUA (alpha-L-iduronidase; plus strand). Cytogenetic location: 4p16.3.
Variant type: Duplication.
Coding change: c.656dup on transcript NM_000203.5 (MANE Select); coding-DNA position 656, one base duplicated (G; older notation c.656dupG).
Protein change: p.Gly220fs; shifts the reading frame from glycine 220.
Molecular consequence: frameshift variant. On other transcripts: non-coding transcript variant (1).
Genome position (GRCh38, 1-based): chr4:1,001,745, G duplicated; the last of 3 consecutive G bases (chr4:1,001,743-1,001,745); duplicating any one gives the same sequence. VCF-style (leftmost placement, unchanged base first): chr4-1001742-T-TG. GRCh37 (hg19) VCF-style: chr4-995530-T-TG.
Other names: NM_001363576.1:c.260dup; c.260dup, p.Gly88fs (NM_001363576.1); short protein forms G220fs, G88fs.
Identifiers: ClinVar variation 5016540 (VCV005016540.1).